The following is an entry in ClinVar:

NM_017827.4(SARS2):c.535-20C>T

Gene: SARS2 (seryl-tRNA synthetase 2, mitochondrial; minus strand). Cytogenetic location: 19q13.2.
Variant type: single nucleotide variant.
Coding change: c.535-20C>T on transcript NM_017827.4 (MANE Select); 20 bases into the intron before coding-DNA position 535, C replaced by T.
Molecular consequence: intron variant.
Genome position (GRCh38, 1-based): chr19:38,921,466, G>A on the plus strand (C>T on the coding strand, the complement: SARS2 is on the minus strand). VCF-style: chr19-38921466-G-A. GRCh37 (hg19) VCF-style: chr19-39412106-G-A.
Other names: c.541-20C>T (NM_001145901.2).
Identifiers: ClinVar variation 511290 (VCV000511290.1), dbSNP rs947021117, ClinGen allele CA308144930.
Genomic context (GRCh38, chr19:38,921,466, plus strand): 5'-ACCATGTGGAGCACTCGAGCCTGGCTCTCATCCCCGACGGGCTGCAGGGAGACAGCAGGA[G>A]TCACGGAAAGGTGGCACTAGGTGGGCCCCTGGCCTCCCTGCCACCCAGCACGGTGCTCAC-3'

ClinVar aggregate classification (germline): Likely benign (1 of 4 stars; one submission).

Allele frequency attached by ClinVar (database versions not stated): gnomAD 0.00002 and 0.00003; TOPMed 0.00002.
gnomAD v4.1: 13 of 1,614,042 alleles (0.00081%); highest among the groups gnomAD compares: Non-Finnish European, 0.00025%; no homozygotes.

Submission:

GeneDx
Classification: Likely benign. Last evaluated: 2017-08-22. Review status: criteria provided, single submitter. Criteria: GeneDx Variant Classification (06012015). Collection method: clinical testing. Allele origin: germline. Affected: yes.
Comment: This variant is considered likely benign or benign based on one or more of the following criteria: it is a conservative change, it occurs at a poorly conserved position in the protein, it is predicted to be benign by multiple in silico algorithms, and/or has population frequency not consistent with disease.